The following is an entry in ClinVar:

NM_012186.3(FOXE3):c.554C>T (p.Pro185Leu)

Genes: FOXE3 (forkhead box E3; plus strand), LINC01389 (long independently transcribed non-coding RNA 1389; minus strand). Cytogenetic location: 1p33.
Variant type: single nucleotide variant.
Coding change: c.554C>T on transcript NM_012186.3 (MANE Select); coding-DNA position 554, C replaced by T.
Protein change: p.Pro185Leu; replaces proline 185 with leucine.
Molecular consequence: missense variant.
Genome position (GRCh38, 1-based): chr1:47,416,869, C>T. VCF-style: chr1-47416869-C-T. GRCh37 (hg19) VCF-style: chr1-47882541-C-T.
Other names: c.554C>T (NM_012186.2); short protein forms P185L.
Identifiers: ClinVar variation 1497870 (VCV001497870.7), dbSNP rs2124043406, ClinGen allele CA340250231.

ClinVar aggregate classification (germline): Uncertain significance. Review status: criteria provided, multiple submitters, no conflicts (2 of 4 stars). 2 submissions from 2 submitters: Uncertain significance (2). Last evaluated 2023-10-25.

Conditions:
Anterior segment dysgenesis. Also called: Ocular anterior segment dysgenesis. Identifiers: Orphanet 88632, MedGen C1862839, MONDO:0019503, HP:0007700.
Congenital primary aphakia. Also called: ANTERIOR SEGMENT DYSGENESIS 2; Anterior segment dysgenesis 2, multiple subtypes. Identifiers: Orphanet 83461, MedGen C1853230, MONDO:0012456, OMIM 610256.
Cardiovascular phenotype. Identifiers: MedGen CN230736.

Allele frequency attached by ClinVar (database versions not stated): gnomAD exomes below 0.00001.
gnomAD v4.1: 1 of 1,395,240 alleles (0.000072%); highest among the groups gnomAD compares: Non-Finnish European, 0.000093%; no homozygotes.

Submissions (2):

Labcorp Genetics (formerly Invitae), Labcorp
Classification: Uncertain significance for Anterior segment dysgenesis; Congenital primary aphakia. Last evaluated: 2023-10-25. Review status: criteria provided, single submitter. Criteria: Invitae Variant Classification Sherloc (09022015). Collection method: clinical testing. Allele origin: germline.
Comment: This sequence change replaces proline, which is neutral and non-polar, with leucine, which is neutral and non-polar, at codon 185 of the FOXE3 protein (p.Pro185Leu). This variant is not present in population databases (gnomAD no frequency). This variant has not been reported in the literature in individuals affected with FOXE3-related conditions. ClinVar contains an entry for this variant (Variation ID: 1497870). Advanced modeling of protein sequence and biophysical properties (such as structural, functional, and spatial information, amino acid conservation, physicochemical variation, residue mobility, and thermodynamic stability) performed at Invitae indicates that this missense variant is not expected to disrupt FOXE3 protein function with a negative predictive value of 80%. In summary, the available evidence is currently insufficient to determine the role of this variant in disease. Therefore, it has been classified as a Variant of Uncertain Significance.

Ambry Genetics
Classification: Uncertain significance for Cardiovascular phenotype. Last evaluated: 2023-09-26. Review status: criteria provided, single submitter. Criteria: Ambry Variant Classification Scheme 2023. Collection method: clinical testing. Allele origin: germline.